The following is an entry in ClinVar:

ClinVar aggregate classification (germline): Pathogenic (1 of 4 stars; one submission).

Submission:

CeGaT Center for Human Genetics Tuebingen
Classification: Pathogenic. Last evaluated: 2026-08-01. Review status: criteria provided, single submitter. Criteria: CeGaT Center For Human Genetics Tuebingen Variant Classification Criteria Version 2. Collection method: clinical testing. Allele origin: germline. Affected: yes. Observed: 2 variant alleles.
Comment: CAPRIN1: PVS1, PM2, PS4:Supporting

NM_005898.5(CAPRIN1):c.383_386del (p.Lys128fs)

Gene: CAPRIN1 (cell cycle associated protein 1; plus strand). Cytogenetic location: 11p13.
Variant type: Deletion.
Coding change: c.383_386del on transcript NM_005898.5 (MANE Select); coding-DNA positions 383 to 386, 4 bases deleted (AGAA; older notation c.383_386delAGAA).
Protein change: p.Lys128fs; shifts the reading frame from lysine 128.
Molecular consequence: frameshift variant.
Genome position (GRCh38, 1-based): chr11:34,076,252-34,076,255, AGAA deleted; deleting any 4 consecutive bases within chr11:34,076,250-34,076,255 gives the same sequence; the c. name uses the placement nearest the transcript's 3' end. VCF-style (leftmost placement, unchanged base first): chr11-34076249-TAAAG-T. GRCh37 (hg19) VCF-style: chr11-34097796-TAAAG-T.
Other names: c.383_386del, p.Lys128fs (NM_203364.3); short protein forms K128fs.
Identifiers: ClinVar variation 5039642 (VCV005039642.1).